The following is an entry in ClinVar:

NM_024675.4(PALB2):c.2835G>A (p.Arg945=)

Gene: PALB2 (partner and localizer of BRCA2; minus strand). Cytogenetic location: 16p12.2.
Variant type: single nucleotide variant.
Coding change: c.2835G>A on transcript NM_024675.4 (MANE Select); coding-DNA position 2835, G replaced by A.
Protein change: p.Arg945=; no amino-acid change (arginine 945 retained).
Molecular consequence: synonymous variant.
Genome position (GRCh38, 1-based): chr16:23,623,130, C>T on the plus strand (G>A on the coding strand, the complement: PALB2 is on the minus strand). VCF-style: chr16-23623130-C-T. GRCh37 (hg19) VCF-style: chr16-23634451-C-T.
Identifiers: ClinVar variation 232774 (VCV000232774.15), dbSNP rs876659983, ClinGen allele CA10579948.
Genomic context (GRCh38, chr16:23,623,130, plus strand): 5'-ATTTCCAGACTTCAGTAGTACTTGCTTTTCACTTTCATCATCAGAGGAACAAAACAATGC[C>T]CTAAGCCAAATATAAGGAAAAATGGGGTGATGTGAGGAGTAACCTTTTAATATTAAAGGA-3'
Protein context (NP_078951.2, residues 935-955): ALGNLEIREI[Arg945=]ALFCSSDDES

ClinVar aggregate classification (germline): Conflicting classifications of pathogenicity. Review status: criteria provided, conflicting classifications (1 of 4 stars). 3 submissions from 3 submitters: Uncertain significance (1); Likely benign (2). Last evaluated 2026-08-28.

Conditions:
Hereditary cancer-predisposing syndrome. Also called: Tumor predisposition; Neoplastic Syndromes, Hereditary; Hereditary Cancer Syndrome; Hereditary neoplastic syndrome. Identifiers: Orphanet 140162, MedGen C0027672, MeSH D009386, MONDO:0015356.
Familial cancer of breast. Also called: hereditary breast carcinoma; BREAST CANCER, FAMILIAL; Hereditary breast cancer. Identifiers: Orphanet 227535, MedGen C0346153, MONDO:0016419, OMIM 114480. Disease mechanism: loss of function.

Submissions (3):

Ambry Genetics
Classification: Likely benign for Hereditary cancer-predisposing syndrome. Last evaluated: 2026-08-28. Review status: criteria provided, single submitter. Criteria: Ambry Variant Classification Scheme 2023. Collection method: clinical testing. Allele origin: germline.

Labcorp Genetics (formerly Invitae), Labcorp
Classification: Likely benign for Familial cancer of breast. Last evaluated: 2023-07-07. Review status: criteria provided, single submitter. Criteria: Invitae Variant Classification Sherloc (09022015). Collection method: clinical testing. Allele origin: germline.

GeneDx
Classification: Uncertain significance. Last evaluated: 2015-07-09. Review status: criteria provided, single submitter. Criteria: GeneDx Variant Classification (06012015). Collection method: clinical testing. Allele origin: germline. Affected: yes.
Comment: This variant is denoted PALB2 c.2835G>A at the DNA level. Although the variant is silent at the coding level, preserving an Arginine at codon 945, it is predicted to damage the natural splice acceptor site and may lead to abnormal splicing. This variant has not, to our knowledge, been published in the literature as pathogenic or benign. PALB2 c.2835G>A was not observed at a significant allele frequency in the NHLBI Exome Sequencing Project. The nucleotide which is altered, a guanine (G) at base 2835G>A, is conserved nucleotide among mammals across species. Based on currently available information, it is unclear whether PALB2 c.2835G>A is pathogenic or benign. We consider it to be a variant of uncertain significance.